The following is an entry in ClinVar:

ClinVar aggregate classification (germline): Uncertain significance. Review status: criteria provided, multiple submitters, no conflicts (2 of 4 stars). 2 submissions from 2 submitters: Uncertain significance (2). Last evaluated 2025-07-13.

Conditions:
Bethlem myopathy 1A. Also called: Bethlem myopathy 1; Bethlem Muscular Dystrophy; MYOPATHY, BENIGN CONGENITAL, WITH CONTRACTURES. Identifiers: Orphanet 610, MedGen CN029274, MONDO:0024530, OMIM 158810.

Submissions (2):

Labcorp Genetics (formerly Invitae), Labcorp
Classification: Uncertain significance for Bethlem myopathy 1A. Last evaluated: 2025-07-13. Review status: criteria provided, single submitter. Criteria: Invitae Variant Classification Sherloc (09022015). Collection method: clinical testing. Allele origin: germline.
Comment: This sequence change falls in intron 18 of the COL6A3 gene. It does not directly change the encoded amino acid sequence of the COL6A3 protein. It affects a nucleotide within the consensus splice site. This variant is not present in population databases (gnomAD no frequency). This variant has been observed in individual(s) with clinical features of autosomal dominant COL6A3-related conditions (internal data). ClinVar contains an entry for this variant (Variation ID: 1504149). Variants that disrupt the consensus splice site are a relatively common cause of aberrant splicing (PMID: 17576681, 9536098). Algorithms developed to predict the effect of sequence changes on RNA splicing suggest that this variant may disrupt the consensus splice site. This variant disrupts the triple helix domain of COL6A3. Glycine residues within the Gly-Xaa-Yaa repeats of the triple helix domain are required for the structure and stability of fibrillar collagens (PMID: 7695699, 8218237, 19344236). In COL6A3, missense variants at these glycine residues are significantly enriched in individuals with autosomal dominant disease (PMID: 15689448, 24038877) compared to the general population (ExAC). This variant disrupts the c.6309+3A nucleotide in the COL6A3 gene. Other variant(s) that disrupt this nucleotide have been determined to be pathogenic (PMID: 20976770, 24271325, 25211533). This suggests that this nucleotide is clinically significant, and that variants that disrupt this position are likely to be disease-causing. In summary, the available evidence is currently insufficient to determine the role of this variant in disease. Therefore, it has been classified as a Variant of Uncertain Significance.

GeneDx
Classification: Uncertain significance. Last evaluated: 2024-06-27. Review status: criteria provided, single submitter. Criteria: GeneDx Variant Classification Process June 2021. Collection method: clinical testing. Allele origin: germline. Affected: yes.
Comment: Reported in a child with difficulty climbing stairs, Gower sign, and toe walking who also harbored as second COL6A3 variant, phase unknown. (Uzunhan et al., 2020, Journal of Dr. Behcet Uz Children's Hospital 10 (2)); Not observed at significant frequency in large population cohorts (gnomAD); In silico analysis is inconclusive as to whether the variant alters gene splicing. In the absence of RNA/functional studies, the actual effect of this sequence change is unknown.; This variant is associated with the following publications: (PMID: Uzunhan2020[casereport])

Literature cited by the submitters: PubMed 17576681 (cited by Labcorp Genetics (formerly Invitae), Labcorp); PubMed 9536098 (cited by Labcorp Genetics (formerly Invitae), Labcorp); PubMed 7695699 (cited by Labcorp Genetics (formerly Invitae), Labcorp); PubMed 8218237 (cited by Labcorp Genetics (formerly Invitae), Labcorp); PubMed 19344236 (cited by Labcorp Genetics (formerly Invitae), Labcorp); PubMed 15689448 (cited by Labcorp Genetics (formerly Invitae), Labcorp); PubMed 24038877 (cited by Labcorp Genetics (formerly Invitae), Labcorp); PubMed 20976770 (cited by Labcorp Genetics (formerly Invitae), Labcorp); PubMed 24271325 (cited by Labcorp Genetics (formerly Invitae), Labcorp); PubMed 25211533 (cited by Labcorp Genetics (formerly Invitae), Labcorp).

NM_004369.4(COL6A3):c.6309+3A>T

Genes: COL6A3 (collagen type VI alpha 3 chain; minus strand), LOC122889011 (Sharpr-MPRA regulatory region 1020; plus strand). Cytogenetic location: 2q37.3.
Variant type: single nucleotide variant.
Coding change: c.6309+3A>T on transcript NM_004369.4 (MANE Select); 3 bases into the intron after coding-DNA position 6309, A replaced by T.
Molecular consequence: intron variant.
Genome position (GRCh38, 1-based): chr2:237,359,359, T>A on the plus strand (A>T on the coding strand, the complement: COL6A3 is on the minus strand). VCF-style: chr2-237359359-T-A. GRCh37 (hg19) VCF-style: chr2-238268002-T-A.
Other names: c.4488+3A>T (NM_057166.5); c.5691+3A>T (NM_057167.4).
Identifiers: ClinVar variation 1504149 (VCV001504149.7), dbSNP rs1553553327, ClinGen allele CA2573135585.